The following is an entry in ClinVar:

ClinVar aggregate classification (germline): Pathogenic. Review status: criteria provided, multiple submitters, no conflicts (2 of 4 stars). 8 submissions from 8 submitters: Pathogenic (8). Last evaluated 2024-11-01.

Conditions:
Kleefstra syndrome 1 (KLEFS1). Identifiers: Orphanet 261494, MedGen C0795833, MONDO:0027407, OMIM 610253.
EHMT1-related disorders.

Submissions (8):

Clinical Genetics Center, Xinhua Hospital affiliated to Shanghai Jiao Tong University School of Medicine
Classification: Pathogenic for Kleefstra syndrome 1. Last evaluated: 2024-11-01. Review status: criteria provided, single submitter. Criteria: ACMG Guidelines, 2015. Collection method: clinical testing. Allele origin: de novo. Affected: yes.
Comment: PVS1+PM6+PM2_Supporting

GeneDx
Classification: Pathogenic. Last evaluated: 2023-06-23. Review status: criteria provided, single submitter. Criteria: GeneDx Variant Classification Process June 2021. Collection method: clinical testing. Allele origin: germline. Affected: yes.
Comment: Frameshift variant predicted to result in protein truncation or nonsense mediated decay in a gene for which loss-of-function is a known mechanism of disease; Not observed in large population cohorts (gnomAD); This variant is associated with the following publications: (PMID: 22670141)

Institute of Human Genetics, Clinical Exome/Genome Diagnostics Group, University Hospital Bonn
Classification: Pathogenic for Kleefstra syndrome 1. Last evaluated: 2022-04-28. Review status: criteria provided, single submitter. Criteria: ACMG Guidelines, 2015. Collection method: clinical testing. Allele origin: germline. Affected: yes.

Laboratorio de Genetica e Diagnostico Molecular, Hospital Israelita Albert Einstein
Classification: Pathogenic for Kleefstra syndrome 1. Last evaluated: 2022-03-09. Review status: criteria provided, single submitter. Criteria: ACMG Guidelines, 2015. Collection method: clinical testing. Allele origin: germline. Affected: yes. Observed: 1 variant allele.
Comment: ACMG classification criteria: PVS1 very strong, PS4 supporting, PM2 moderated, PM6 moderated

3billion
Classification: Pathogenic for Kleefstra syndrome 1. Last evaluated: 2022-01-03. Review status: criteria provided, single submitter. Criteria: ACMG Guidelines, 2015. Collection method: clinical testing. Allele origin: germline. Affected: yes. Observed: 1 heterozygote.
Comment: Frameshift: predicted to result in a loss or disruption of normal protein function through nonsense-mediated decay (NMD) or protein truncation. Multiple pathogenic variants are reported downstream of the variant (PVS1_VS). It is not observed in the gnomAD v2.1.1 dataset (PM2_M). The variant has been reported to be associated with EHMT1 related disorder (ClinVar ID: VCV000426664, PMID:22670141).Therefore, this variant is classified as pathogenic according to the recommendation of ACMG/AMP guideline.

Institute for Clinical Genetics, University Hospital TU Dresden, University Hospital TU Dresden
Classification: Pathogenic. Last evaluated: 2021-11-03. Review status: criteria provided, single submitter. Criteria: ACMG Guidelines, 2015. Collection method: clinical testing. Allele origin: germline.

Blueprint Genetics
Classification: Pathogenic for EHMT1-related disorders. Last evaluated: 2019-09-16. Review status: criteria provided, single submitter. Criteria: ACMG Guidelines, 2015. Collection method: clinical testing. Allele origin: germline. Affected: yes. Observed: 1 variant allele.

Laboratory of Genetics, Children's Clinical University Hospital Latvia
Classification: Pathogenic for Kleefstra syndrome 1. Review status: criteria provided, single submitter. Criteria: ACMG Guidelines, 2015. Collection method: curation. Allele origin: de novo. Affected: yes.
Comment: de novo

Literature cited by the submitters: PubMed 22670141 (cited by 3billion); PubMed 39013458 (cited by Laboratory of Genetics, Children's Clinical University Hospital Latvia).

NM_024757.5(EHMT1):c.3072_3073del (p.Val1026fs)

Gene: EHMT1 (euchromatic histone lysine methyltransferase 1; plus strand). Cytogenetic location: 9q34.3.
Variant type: Deletion.
Coding change: c.3072_3073del on transcript NM_024757.5 (MANE Select); coding-DNA positions 3072 to 3073, 2 bases deleted (CT; older notation c.3072_3073delCT).
Protein change: p.Val1026fs; shifts the reading frame from valine 1026.
Molecular consequence: frameshift variant.
Genome position (GRCh38, 1-based): chr9:137,813,422-137,813,423, CT deleted. VCF-style (leftmost placement, unchanged base first): chr9-137813421-CCT-C. GRCh37 (hg19) VCF-style: chr9-140707873-CCT-C.
Other names: c.3072_3073delCT (NM_024757.4); c.3051_3052del, p.Val1019fs (NM_001354263.2); short protein forms V1019fs, V1026fs.
Identifiers: ClinVar variation 426664 (VCV000426664.12), dbSNP rs1085307734, ClinGen allele CA645294057.